The following is an entry in ClinVar:

NM_020928.2(ZSWIM6):c.2142A>G (p.Lys714=)

Gene: ZSWIM6 (zinc finger SWIM-type containing 6; plus strand). Cytogenetic location: 5q12.1.
Variant type: single nucleotide variant.
Coding change: c.2142A>G on transcript NM_020928.2 (MANE Select); coding-DNA position 2142, A replaced by G.
Protein change: p.Lys714=; no amino-acid change (lysine 714 retained).
Molecular consequence: synonymous variant.
Genome position (GRCh38, 1-based): chr5:61,531,622, A>G. VCF-style: chr5-61531622-A-G. GRCh37 (hg19) VCF-style: chr5-60827449-A-G.
Identifiers: ClinVar variation 738422 (VCV000738422.34), dbSNP rs769830528, ClinGen allele CA3278424.
Genomic context (GRCh38, chr5:61,531,622, plus strand): 5'-AGCCCTGATAGGGCTAGGACAGCAGCGTATCATGCCTGATGGGCTGTACACACAAGAGAA[A>G]GTTTGCCGGAATGAGGAGCAGCTCATTTCTAAGCTTCAGGAAATTGAATTGGATGACACA-3'
Protein context (NP_065979.1, residues 704-724): IMPDGLYTQE[Lys714=]VCRNEEQLIS

ClinVar aggregate classification (germline): Benign/Likely benign. Review status: criteria provided, multiple submitters, no conflicts (2 of 4 stars). 3 submissions from 3 submitters: Benign (1); Likely benign (1). 1 of the submissions does not count toward it. Last evaluated 2026-02-03.

Conditions:
ZSWIM6-related disorder. Also called: ZSWIM6-related condition.

Allele frequency attached by ClinVar (database versions not stated): ExAC 0.00005; gnomAD exomes 0.00005; gnomAD 0.00039 and 0.00044; TOPMed 0.00045.
gnomAD v4.1: 122 of 1,551,578 alleles (0.0079%); highest among the groups gnomAD compares: African/African-American, 0.16%; no homozygotes.

Submissions (3):

Labcorp Genetics (formerly Invitae), Labcorp
Classification: Benign. Last evaluated: 2026-02-03. Review status: criteria provided, single submitter. Criteria: Invitae Variant Classification Sherloc (09022015). Collection method: clinical testing. Allele origin: germline.

CeGaT Center for Human Genetics Tuebingen
Classification: Likely benign. Last evaluated: 2023-01-01. Review status: criteria provided, single submitter. Criteria: CeGaT Center For Human Genetics Tuebingen Variant Classification Criteria Version 2. Collection method: clinical testing. Allele origin: germline. Affected: yes. Observed: 1 variant allele.
Comment: ZSWIM6: BP4, BP7

PreventionGenetics, part of Exact Sciences
Classification: Likely benign for ZSWIM6-related condition. Last evaluated: 2022-09-07. Review status: no assertion criteria provided. Collection method: clinical testing. Allele origin: germline. Not counted in ClinVar's aggregate classification.
Comment: This variant is classified as likely benign based on ACMG/AMP sequence variant interpretation guidelines (Richards et al. 2015 PMID: 25741868, with internal and published modifications).